The following is an entry in ClinVar:

NM_001267550.2(TTN):c.102011T>A (p.Leu34004Gln)

Genes: TTN-AS1 (TTN antisense RNA 1; plus strand), TTN (titin; minus strand). Cytogenetic location: 2q31.2.
Variant type: single nucleotide variant.
Coding change: c.102011T>A on transcript NM_001267550.2 (MANE Select); coding-DNA position 102011, T replaced by A.
Protein change: p.Leu34004Gln; replaces leucine 34004 with glutamine.
Molecular consequence: missense variant.
Genome position (GRCh38, 1-based): chr2:178,534,604, A>T on the plus strand (T>A on the coding strand, the complement: TTN is on the minus strand). VCF-style: chr2-178534604-A-T. GRCh37 (hg19) VCF-style: chr2-179399331-A-T.
Other names: c.97088T>A, p.Leu32363Gln (NM_001256850.1); c.74816T>A, p.Leu24939Gln (NM_003319.4); c.75191T>A, p.Leu25064Gln (NM_133432.3); c.75392T>A, p.Leu25131Gln (NM_133437.4); c.94307T>A, p.Leu31436Gln (NM_133378.4); short protein forms L31436Q, L34004Q, L25131Q, L24939Q, L25064Q, L32363Q.
Identifiers: ClinVar variation 179486 (VCV000179486.11), dbSNP rs727504897, ClinGen allele CA184519.

ClinVar aggregate classification (germline): Uncertain significance. Review status: criteria provided, multiple submitters, no conflicts (2 of 4 stars). 2 submissions from 2 submitters: Uncertain significance (2). Last evaluated 2023-11-06.

Conditions:
Dilated cardiomyopathy 1G (CMD1G). Identifiers: Orphanet 154, MedGen C1858763, MONDO:0011400, OMIM 604145.
Autosomal recessive limb-girdle muscular dystrophy type 2J (LGMDR10). Also called: Limb-girdle muscular dystrophy, type 2J; MUSCULAR DYSTROPHY, LIMB-GIRDLE, AUTOSOMAL RECESSIVE 10. Identifiers: Orphanet 140922, MedGen C1837342, MONDO:0012127, OMIM 608807.

Allele frequency attached by ClinVar (database versions not stated): gnomAD exomes 0.00001.
gnomAD v4.1: 20 of 1,613,820 alleles (0.0012%); highest among the groups gnomAD compares: Non-Finnish European, 0.0016%; no homozygotes.

Submissions (2):

Labcorp Genetics (formerly Invitae), Labcorp
Classification: Uncertain significance for Dilated cardiomyopathy 1G; Autosomal recessive limb-girdle muscular dystrophy type 2J. Last evaluated: 2023-11-06. Review status: criteria provided, single submitter. Criteria: Invitae Variant Classification Sherloc (09022015). Collection method: clinical testing. Allele origin: germline.
Comment: This sequence change replaces leucine, which is neutral and non-polar, with glutamine, which is neutral and polar, at codon 34004 of the TTN protein (p.Leu34004Gln). This variant is present in population databases (rs727504897, gnomAD 0.002%). This missense change has been observed in individual(s) with hypertrophic cardiomyopathy (PMID: 32746448). ClinVar contains an entry for this variant (Variation ID: 179486). Experimental studies and prediction algorithms are not available or were not evaluated, and the functional significance of this variant is currently unknown. This variant is located in the M band of TTN (PMID: 25589632). Variants in this region may be relevant for neuromuscular disorders, but have not been definitively shown to cause cardiomyopathy (PMID: 23975875). In summary, the available evidence is currently insufficient to determine the role of this variant in disease. Therefore, it has been classified as a Variant of Uncertain Significance.

Laboratory for Molecular Medicine, Mass General Brigham Personalized Medicine
Classification: Uncertain significance. Last evaluated: 2014-01-31. Review status: criteria provided, single submitter. Criteria: LMM Criteria. Collection method: clinical testing. Allele origin: germline. Observed: 1 variant allele.
Comment: The Leu31436Gln variant in TTN has not been previously reported in individuals w ith cardiomyopathy or in large population studies. Computational tools predict t hat this variant creates a new splice site but their accuracy is unknown. Other computational analyses (biochemical amino acid properties, conservation, AlignGV GD, PolyPhen2, and SIFT) do not provide strong support for or against an impact to the protein. In summary, additional information is needed to fully assess the clinical significance of this variant.

Literature cited by the submitters: PubMed 32746448 (cited by Labcorp Genetics (formerly Invitae), Labcorp); PubMed 25589632 (cited by Labcorp Genetics (formerly Invitae), Labcorp); PubMed 23975875 (cited by Labcorp Genetics (formerly Invitae), Labcorp).